The following is an entry in ClinVar:

NM_001349206.2(LPIN1):c.1822C>G (p.Gln608Glu)

Gene: LPIN1 (lipin 1; plus strand). Cytogenetic location: 2p25.1.
Variant type: single nucleotide variant.
Coding change: c.1822C>G on transcript NM_001349206.2 (MANE Select); coding-DNA position 1822, C replaced by G.
Protein change: p.Gln608Glu; replaces glutamine 608 with glutamic acid.
Molecular consequence: missense variant. On other transcripts: non-coding transcript variant (1).
Genome position (GRCh38, 1-based): chr2:11,795,423, C>G. VCF-style: chr2-11795423-C-G. GRCh37 (hg19) VCF-style: chr2-11935549-C-G.
Other names: c.1732C>G, p.Gln578Glu (NM_001261427.3); c.1969C>G, p.Gln657Glu (NM_001261428.3); c.1714C>G, p.Gln572Glu (NM_001349199.2, NM_145693.4); c.1792C>G, p.Gln598Glu (NM_001349200.2, NM_001349201.2); c.1819C>G, p.Gln607Glu (NM_001349202.2, NM_001349203.2); c.1822C>G, p.Gln608Glu (NM_001349204.2, NM_001349205.2); c.1912C>G, p.Gln638Glu (NM_001349207.2); c.1861C>G, p.Gln621Glu (NM_001349208.2); short protein forms Q607E, Q608E, Q578E, Q621E, Q572E, Q598E, Q638E, Q657E.
Identifiers: ClinVar variation 1896005 (VCV001896005.5), dbSNP rs1305213052, ClinGen allele CA345851611.

ClinVar aggregate classification (germline): Uncertain significance (1 of 4 stars; one submission).

Allele frequency attached by ClinVar (database versions not stated): gnomAD 0.00001.
gnomAD v4.1: 5 of 1,613,738 alleles (0.00031%); highest among the groups gnomAD compares: Admixed American, 0.0033%; no homozygotes.

Submission:

Labcorp Genetics (formerly Invitae), Labcorp
Classification: Uncertain significance. Last evaluated: 2025-10-02. Review status: criteria provided, single submitter. Criteria: Invitae Variant Classification Sherloc (09022015). Collection method: clinical testing. Allele origin: germline.
Comment: This sequence change replaces glutamine, which is neutral and polar, with glutamic acid, which is acidic and polar, at codon 572 of the LPIN1 protein (p.Gln572Glu). This variant is present in population databases (no rsID available, gnomAD 0.003%). This variant has not been reported in the literature in individuals affected with LPIN1-related conditions. ClinVar contains an entry for this variant (Variation ID: 1896005). An algorithm developed to predict the effect of missense changes on protein structure and function (PolyPhen-2) suggests that this variant is likely to be tolerated. In summary, the available evidence is currently insufficient to determine the role of this variant in disease. Therefore, it has been classified as a Variant of Uncertain Significance.